The following is an entry in ClinVar:

ClinVar aggregate classification (germline): Uncertain significance (1 of 4 stars; one submission).

Conditions:
Noonan syndrome 9 (NS9). Identifiers: Orphanet 648, MedGen C4225282, MONDO:0014691, OMIM 616559.

Submission:

Labcorp Genetics (formerly Invitae), Labcorp
Classification: Uncertain significance for Noonan syndrome 9. Last evaluated: 2023-11-25. Review status: criteria provided, single submitter. Criteria: Invitae Variant Classification Sherloc (09022015). Collection method: clinical testing. Allele origin: germline.
Comment: This sequence change replaces proline, which is neutral and non-polar, with leucine, which is neutral and non-polar, at codon 682 of the SOS2 protein (p.Pro682Leu). This variant is not present in population databases (gnomAD no frequency). This variant has not been reported in the literature in individuals affected with SOS2-related conditions. Advanced modeling of protein sequence and biophysical properties (such as structural, functional, and spatial information, amino acid conservation, physicochemical variation, residue mobility, and thermodynamic stability) performed at Invitae indicates that this missense variant is expected to disrupt SOS2 protein function with a positive predictive value of 80%. In summary, the available evidence is currently insufficient to determine the role of this variant in disease. Therefore, it has been classified as a Variant of Uncertain Significance.

NM_006939.4(SOS2):c.2045C>T (p.Pro682Leu)

Gene: SOS2 (SOS Ras/Rho guanine nucleotide exchange factor 2; minus strand). Cytogenetic location: 14q21.3.
Variant type: single nucleotide variant.
Coding change: c.2045C>T on transcript NM_006939.4 (MANE Select); coding-DNA position 2045, C replaced by T.
Protein change: p.Pro682Leu; replaces proline 682 with leucine.
Molecular consequence: missense variant.
Genome position (GRCh38, 1-based): chr14:50,157,011, G>A on the plus strand (C>T on the coding strand, the complement: SOS2 is on the minus strand). VCF-style: chr14-50157011-G-A. GRCh37 (hg19) VCF-style: chr14-50623729-G-A.
Other names: c.1946C>T, p.Pro649Leu (NM_001411020.1); short protein forms P682L, P649L.
Identifiers: ClinVar variation 3023261 (VCV003023261.3), dbSNP rs2502974245, ClinGen allele CA389644358.
Genomic context (GRCh38, chr14:50,157,011, plus strand): 5'-GTATATATATGTGTATATATATATATATAAAAAATATTCAAGCCAAACCTAAGTTGTACT[G>A]GTTGGACATATTCCTTGCGAAATCTTTTAAGGTCTGCACTGATTGGCTGCTCGCCTTTCT-3'
Protein context (NP_008870.2, residues 672-692): LKRFRKEYVQ[Pro682Leu]VQLRILNVFR